The following is an entry in ClinVar:

NM_007294.4(BRCA1):c.3391G>T (p.Asp1131Tyr)

Genes: BRCA1 (BRCA1 DNA repair associated; minus strand), LOC126862571 (BRD4-independent group 4 enhancer GRCh37_chr17:41243136-41244335; plus strand). Cytogenetic location: 17q21.31.
Variant type: single nucleotide variant.
Coding change: c.3391G>T on transcript NM_007294.4 (MANE Select); coding-DNA position 3391, G replaced by T.
Protein change: p.Asp1131Tyr; replaces aspartic acid 1131 with tyrosine.
Molecular consequence: missense variant. On other transcripts: intron variant (135), splice acceptor variant (2).
Genome position (GRCh38, 1-based): chr17:43,092,140, C>A on the plus strand (G>T on the coding strand, the complement: BRCA1 is on the minus strand). VCF-style: chr17-43092140-C-A. GRCh37 (hg19) VCF-style: chr17-41244157-C-A.
Other names: c.284-1108G>T (NM_001408512.1); c.407-1108G>T (NM_001408510.1); c.644-1108G>T (NM_001408470.1, NM_001408464.1, NM_001408468.1 and 3 more transcripts); c.647-1108G>T (NM_001408469.1, NM_001408453.1, NM_001408461.1 and 11 more transcripts); c.785-1108G>T (NM_001408397.1, NM_001408401.1, NM_001408396.1 and 13 more transcripts); c.665-1108G>T (NM_001408436.1, NM_001408444.1, NM_001408438.1 and 12 more transcripts); c.788-1108G>T (NM_001407980.1, NM_001407993.1, NM_001407976.1 and 17 more transcripts); c.653-1108G>T (NM_001408451.1); and 41 more; short protein forms D1061Y, D1064Y, D1089Y, D1128Y, D835Y, D1019Y, D1020Y, D1043Y.
Identifiers: ClinVar variation 2585841 (VCV002585841.2), dbSNP rs1555587816, ClinGen allele CA10595195.
Genomic context (GRCh38, chr17:43,092,140, plus strand): 5'-CAGGTGTCTCAGAACAAACCTGAGATGCATGACTACTTCCCATAGGCTGTTCTAAGTTAT[C>A]TGAAATCAGATATGGAGAGAAATCTGTATTAACAGTCTGAACTACTTCTTCATATTCTTG-3'
Protein context (NP_009225.1, residues 1121-1141): NTDFSPYLIS[Asp1131Tyr]NLEQPMGSSH

ClinVar aggregate classification (germline): Uncertain significance (1 of 4 stars; one submission).

Conditions:
Hereditary cancer-predisposing syndrome. Also called: Hereditary neoplastic syndrome; Tumor predisposition; Hereditary Cancer Syndrome; Neoplastic Syndromes, Hereditary. Identifiers: Orphanet 140162, MedGen C0027672, MeSH D009386, MONDO:0015356.

Submission:

Ambry Genetics
Classification: Uncertain significance for Hereditary cancer-predisposing syndrome. Last evaluated: 2023-08-25. Review status: criteria provided, single submitter. Criteria: Ambry Variant Classification Scheme 2023. Collection method: clinical testing. Allele origin: germline.
Comment: The p.D1131Y variant (also known as c.3391G>T), located in coding exon 9 of the BRCA1 gene, results from a G to T substitution at nucleotide position 3391. The aspartic acid at codon 1131 is replaced by tyrosine, an amino acid with highly dissimilar properties. This amino acid position is conserved. In addition, this alteration is predicted to be deleterious by in silico analysis. Since supporting evidence is limited at this time, the clinical significance of this alteration remains unclear.